The following is an entry in ClinVar:

ClinVar aggregate classification (germline): Uncertain significance (1 of 4 stars; one submission).

Allele frequency attached by ClinVar (database versions not stated): gnomAD exomes below 0.00001.

Submission:

Women's Health and Genetics/Laboratory Corporation of America, LabCorp
Classification: Uncertain significance. Last evaluated: 2018-10-11. Review status: criteria provided, single submitter. Criteria: LabCorp Variant Classification Summary - May 2015. Collection method: clinical testing. Allele origin: germline.
Comment: Variant summary: GALT c.1022T>C (p.Met341Thr) results in a non-conservative amino acid change located in the Galactose-1-phosphate uridyl transferase, C-terminal domain of the encoded protein sequence. Five of five in-silico tools predict a damaging effect of the variant on protein function. The variant allele was found at a frequency of 4.1e-06 in 246264 control chromosomes (gnomAD). The available data on variant occurrences in the general population are insufficient to allow any conclusion about variant significance. To our knowledge, no occurrence of c.1022T>C in individuals affected with Galactosemia and no experimental evidence demonstrating its impact on protein function have been reported. No clinical diagnostic laboratories have submitted clinical-significance assessments for this variant to ClinVar after 2014. Based on the evidence outlined above, the variant was classified as uncertain significance.

NM_000155.4(GALT):c.1022T>C (p.Met341Thr)

Gene: GALT (galactose-1-phosphate uridylyltransferase; plus strand). Cytogenetic location: 9p13.3.
Variant type: single nucleotide variant.
Coding change: c.1022T>C on transcript NM_000155.4 (MANE Select); coding-DNA position 1022, T replaced by C.
Protein change: p.Met341Thr; replaces methionine 341 with threonine.
Molecular consequence: missense variant.
Genome position (GRCh38, 1-based): chr9:34,649,527, T>C. VCF-style: chr9-34649527-T-C. GRCh37 (hg19) VCF-style: chr9-34649524-T-C.
Other names: c.695T>C, p.Met232Thr (NM_001258332.2); short protein forms M341T, M232T.
Identifiers: ClinVar variation 633234 (VCV000633234.1), dbSNP rs1248681332, ClinGen allele CA373285180.